The following is an entry in ClinVar:

ClinVar aggregate classification (germline): Pathogenic (1 of 4 stars; one submission).

Conditions:
Alzheimer disease 4 (AD4). Identifiers: Orphanet 1020, MedGen C1847200, MONDO:0011743, OMIM 606889.

Submission:

Labcorp Genetics (formerly Invitae), Labcorp
Classification: Pathogenic for Alzheimer disease 4. Last evaluated: 2017-08-22. Review status: criteria provided, single submitter. Criteria: Invitae Variant Classification Sherloc (09022015). Collection method: clinical testing. Allele origin: germline.
Comment: For these reasons, this variant has been classified as Pathogenic. Loss-of-function variants in PSEN2 are known to be pathogenic (PMID: 20375137, 24704512, 18834536). This variant has not been reported in the literature in individuals with PSEN2-related disease. A gross deletion of the genomic region encompassing the full coding sequence of the PSEN2 gene has been identified. The boundaries of this event are unknown as the deletion extends beyond the assayed region for this gene and therefore may encompass additional genes.

Literature cited by the submitters: PubMed 20375137; PubMed 24704512; PubMed 18834536.

NC_000001.11:g.(?_226881888)_(226895599_?)del

Genes: PSEN2 (presenilin 2; plus strand), LOC129932680 (ATAC-STARR-seq lymphoblastoid active region 2673; plus strand), LOC129388763 (MPRA-validated peak736 silencer; plus strand). Cytogenetic location: 1q42.13.
Variant type: Deletion.
Identifiers: ClinVar variation 533784 (VCV000533784.7).